The following is an entry in ClinVar:

NM_206933.4(USH2A):c.8095C>T (p.Arg2699Trp)

Gene: USH2A (usherin; minus strand). Cytogenetic location: 1q41.
Variant type: single nucleotide variant.
Coding change: c.8095C>T on transcript NM_206933.4 (MANE Select); coding-DNA position 8095, C replaced by T.
Protein change: p.Arg2699Trp; replaces arginine 2699 with tryptophan.
Molecular consequence: missense variant.
Genome position (GRCh38, 1-based): chr1:215,888,554, G>A on the plus strand (C>T on the coding strand, the complement: USH2A is on the minus strand). VCF-style: chr1-215888554-G-A. GRCh37 (hg19) VCF-style: chr1-216061896-G-A.
Other names: short protein forms R2699W.
Identifiers: ClinVar variation 970319 (VCV000970319.6), dbSNP rs771526931, ClinGen allele CA1394687.
Genomic context (GRCh38, chr1:215,888,554, plus strand): 5'-TGGTAACTTCTACCCAAGCACTGCTGTTTGTGCCTCCATGAAGAGTGCTCATCAGTACCC[G>A]ATATTCATATTTTGTCCATGGGCTAAGAGCAGAAGTCTTGTCAATAAACCTCATGGAATG-3'
Protein context (NP_996816.3, residues 2689-2709): ALSPWTKYEY[Arg2699Trp]VLMSTLHGGT

ClinVar aggregate classification (germline): Uncertain significance. Review status: criteria provided, multiple submitters, no conflicts (2 of 4 stars). 3 submissions from 3 submitters: Uncertain significance (2). 1 of the submissions does not count toward it. Last evaluated 2025-06-12.

Conditions:
Usher syndrome type 2A. Also called: RETINAL DISEASE IN USHER SYNDROME TYPE IIA, MODIFIER OF; USHER SYNDROME, TYPE IIA. Identifiers: Orphanet 231178, Orphanet 886, MedGen C1848634, MONDO:0010169, OMIM 276901.

Allele frequency attached by ClinVar (database versions not stated): TOPMed 0.00002; gnomAD 0.00001; gnomAD exomes 0.00001; ExAC 0.00002.

Submissions (3):

GeneDx
Classification: Uncertain significance. Last evaluated: 2025-06-12. Review status: criteria provided, single submitter. Criteria: GeneDx Variant Classification Process June 2021. Collection method: clinical testing. Allele origin: germline.
Comment: Not observed at significant frequency in large population cohorts (gnomAD); In silico analysis supports that this missense variant has a deleterious effect on protein structure/function; This variant is associated with the following publications: (PMID: 32188678, 31054281, 36729443)

Labcorp Genetics (formerly Invitae), Labcorp
Classification: Uncertain significance. Last evaluated: 2022-05-07. Review status: criteria provided, single submitter. Criteria: Invitae Variant Classification Sherloc (09022015). Collection method: clinical testing. Allele origin: germline.
Comment: This sequence change replaces arginine, which is basic and polar, with tryptophan, which is neutral and slightly polar, at codon 2699 of the USH2A protein (p.Arg2699Trp). This variant is present in population databases (rs771526931, gnomAD 0.003%). This missense change has been observed in individual(s) with clinical features of USH2A-related conditions (PMID: 31054281, 32188678). ClinVar contains an entry for this variant (Variation ID: 970319). Algorithms developed to predict the effect of missense changes on protein structure and function (SIFT, PolyPhen-2, Align-GVGD) all suggest that this variant is likely to be disruptive. In summary, the available evidence is currently insufficient to determine the role of this variant in disease. Therefore, it has been classified as a Variant of Uncertain Significance.

Natera, Inc.
Classification: Uncertain significance for Usher syndrome type 2A. Last evaluated: 2020-01-24. Review status: no assertion criteria provided. Collection method: clinical testing. Allele origin: germline. Not counted in ClinVar's aggregate classification.

Literature cited by the submitters: PubMed 31054281 (cited by Labcorp Genetics (formerly Invitae), Labcorp); PubMed 32188678 (cited by Labcorp Genetics (formerly Invitae), Labcorp).